The following is an entry in ClinVar:

ClinVar aggregate classification (germline): Uncertain significance (1 of 4 stars; one submission).

Conditions:
Cardiovascular phenotype. Identifiers: MedGen CN230736.

Submission:

Ambry Genetics
Classification: Uncertain significance for Cardiovascular phenotype. Last evaluated: 2025-09-21. Review status: criteria provided, single submitter. Criteria: Ambry Variant Classification Scheme 2023. Collection method: clinical testing. Allele origin: germline.
Comment: The p.P95L variant (also known as c.284C>T), located in coding exon 3 of the LDB3 gene, results from a C to T substitution at nucleotide position 284. The proline at codon 95 is replaced by leucine, an amino acid with similar properties. This amino acid position is conserved. In addition, this alteration is predicted to be tolerated by in silico analysis. Based on the available evidence, the clinical significance of this variant remains unclear.

NM_007078.3(LDB3):c.284C>T (p.Pro95Leu)

Gene: LDB3 (LIM domain binding 3; plus strand). Cytogenetic location: 10q23.2.
Variant type: single nucleotide variant.
Coding change: c.284C>T on transcript NM_007078.3 (MANE Select); coding-DNA position 284, C replaced by T.
Protein change: p.Pro95Leu; replaces proline 95 with leucine.
Molecular consequence: missense variant.
Genome position (GRCh38, 1-based): chr10:86,680,120, C>T. VCF-style: chr10-86680120-C-T. GRCh37 (hg19) VCF-style: chr10-88439877-C-T.
Other names: c.284C>T, p.Pro95Leu (NM_001080114.2, NM_001080115.2, NM_001080116.1 and 8 more transcripts); short protein forms P95L.
Identifiers: ClinVar variation 4614488 (VCV004614488.1).
Genomic context (GRCh38, chr10:86,680,120, plus strand): 5'-GTCTCATTTCTGGTTTCTACAGATCAAAGCGTCCCATTCCCATCTCCACGACAGCACCTC[C>T]AGTCCAGACCCCTCTGCCGGTGATCCCTCACCAGAAGGTAGGTGCTGACTGTGGCGGCGG-3'
Protein context (NP_009009.1, residues 85-105): RPIPISTTAP[Pro95Leu]VQTPLPVIPH